The following is an entry in ClinVar:

NM_000883.4(IMPDH1):c.901G>A (p.Asp301Asn)

Gene: IMPDH1 (inosine monophosphate dehydrogenase 1; minus strand). Cytogenetic location: 7q32.1.
Variant type: single nucleotide variant.
Coding change: c.901G>A on transcript NM_000883.4 (MANE Select); coding-DNA position 901, G replaced by A.
Protein change: p.Asp301Asn; replaces aspartic acid 301 with asparagine.
Molecular consequence: missense variant.
Genome position (GRCh38, 1-based): chr7:128,398,587, C>T on the plus strand (G>A on the coding strand, the complement: IMPDH1 is on the minus strand). VCF-style: chr7-128398587-C-T. GRCh37 (hg19) VCF-style: chr7-128038641-C-T.
Other names: c.871G>A, p.Asp291Asn (NM_001102605.2); c.646G>A, p.Asp216Asn (NM_001142573.2); c.631G>A, p.Asp211Asn (NM_001142574.2); c.571G>A, p.Asp191Asn (NM_001142575.2); c.802G>A, p.Asp268Asn (NM_001142576.2); c.694G>A, p.Asp232Asn (NM_001304521.2); c.793G>A, p.Asp265Asn (NM_183243.3); short protein forms D191N, D232N, D291N, D216N, D268N, D211N, D265N, D301N.
Identifiers: ClinVar variation 956524 (VCV000956524.9), dbSNP rs140399669, ClinGen allele CA4470989.

ClinVar aggregate classification (germline): Uncertain significance (1 of 4 stars; one submission).

Allele frequency attached by ClinVar (database versions not stated): gnomAD 0.00001; gnomAD exomes 0.00002 and 0.00004; TOPMed 0.00002; ExAC 0.00004; ESP Exome Variant Server 0.00008.
gnomAD v4.1: 27 of 1,612,676 alleles (0.0017%); highest among the groups gnomAD compares: Middle Eastern, 0.016%; 1 homozygote.

Submission:

Labcorp Genetics (formerly Invitae), Labcorp
Classification: Uncertain significance. Last evaluated: 2025-11-10. Review status: criteria provided, single submitter. Criteria: Invitae Variant Classification Sherloc (09022015). Collection method: clinical testing. Allele origin: germline.
Comment: This sequence change replaces aspartic acid, which is acidic and polar, with asparagine, which is neutral and polar, at codon 301 of the IMPDH1 protein (p.Asp301Asn). This variant is present in population databases (rs140399669, gnomAD 0.01%). This variant has not been reported in the literature in individuals affected with IMPDH1-related conditions. ClinVar contains an entry for this variant (Variation ID: 956524). An algorithm developed to predict the effect of missense changes on protein structure and function (PolyPhen-2) suggests that this variant is likely to be tolerated. In summary, the available evidence is currently insufficient to determine the role of this variant in disease. Therefore, it has been classified as a Variant of Uncertain Significance.